The following is an entry in ClinVar:

NM_004959.5(NR5A1):c.400C>T (p.Pro134Ser)

Gene: NR5A1 (nuclear receptor subfamily 5 group A member 1; minus strand). Cytogenetic location: 9q33.3.
Variant type: single nucleotide variant.
Coding change: c.400C>T on transcript NM_004959.5 (MANE Select); coding-DNA position 400, C replaced by T.
Protein change: p.Pro134Ser; replaces proline 134 with serine.
Molecular consequence: missense variant.
Genome position (GRCh38, 1-based): chr9:124,500,560, G>A on the plus strand (C>T on the coding strand, the complement: NR5A1 is on the minus strand). VCF-style: chr9-124500560-G-A. GRCh37 (hg19) VCF-style: chr9-127262839-G-A.
Other names: short protein forms P134S.
Identifiers: ClinVar variation 1016720 (VCV001016720.9), dbSNP rs1012697512, ClinGen allele CA199729071.

ClinVar aggregate classification (germline): Uncertain significance (1 of 4 stars; one submission).

Conditions:
Oligosynaptic infertility (SPGF1). Also called: OLIGOCHIASMATIC INFERTILITY; SPERMATOGENIC FAILURE 1. Identifiers: MedGen C0403810, MONDO:0009776, OMIM 258150.
46 XY differences of sex development. Also called: 46, XY disorder of sex development (DSD); 46,XY disorder of sex development. Identifiers: Orphanet 98085, MedGen C2751824, MONDO:0020040.

Allele frequency attached by ClinVar (database versions not stated): gnomAD exomes 0.00002; gnomAD 0.00003 and 0.00004; TOPMed 0.00005.

Submission:

Labcorp Genetics (formerly Invitae), Labcorp
Classification: Uncertain significance for 46 XY differences of sex development; Oligosynaptic infertility. Last evaluated: 2020-09-23. Review status: criteria provided, single submitter. Criteria: Invitae Variant Classification Sherloc (09022015). Collection method: clinical testing. Allele origin: germline.
Comment: This sequence change replaces proline with serine at codon 134 of the NR5A1 protein (p.Pro134Ser). The proline residue is moderately conserved and there is a moderate physicochemical difference between proline and serine. In summary, the available evidence is currently insufficient to determine the role of this variant in disease. Therefore, it has been classified as a Variant of Uncertain Significance. Algorithms developed to predict the effect of missense changes on protein structure and function (SIFT, PolyPhen-2, Align-GVGD) all suggest that this variant is likely to be tolerated, but these predictions have not been confirmed by published functional studies and their clinical significance is uncertain. This variant has not been reported in the literature in individuals with NR5A1-related conditions. This variant is not present in population databases (ExAC no frequency).